The following is an entry in ClinVar:

ClinVar aggregate classification (germline): Uncertain significance (1 of 4 stars; one submission).

Conditions:
Developmental delay, impaired speech, and behavioral abnormalities, with or without seizures (DEDISB). Identifiers: MedGen C5575272, MONDO:0859263, OMIM 619964.

gnomAD v4.1: 1 of 1,613,714 alleles (0.000062%); highest among the groups gnomAD compares: Non-Finnish European, 0.000085%; no homozygotes.

Submission:

Department of Paediatrics at Addenbrookes, Cambridge University Hospitals NHS Foundation Trust (UK)
Classification: Uncertain significance for Developmental delay, impaired speech, and behavioral abnormalities, with or without seizures. Last evaluated: 2025-05-27. Review status: criteria provided, single submitter. Criteria: Durkie Uk Practice Guidelines For Variant Classification V12 2024 (1). Collection method: clinical testing. Allele origin: unknown.
Comment: PM2_Moderate; PP2_Supporting

NM_006421.5(ARFGEF1):c.1441A>T (p.Ile481Phe)

Gene: ARFGEF1 (ARF guanine nucleotide exchange factor 1; minus strand). Cytogenetic location: 8q13.2.
Variant type: single nucleotide variant.
Coding change: c.1441A>T on transcript NM_006421.5 (MANE Select); coding-DNA position 1441, A replaced by T.
Protein change: p.Ile481Phe; replaces isoleucine 481 with phenylalanine.
Molecular consequence: missense variant. On other transcripts: non-coding transcript variant (1).
Genome position (GRCh38, 1-based): chr8:67,271,833, T>A on the plus strand (A>T on the coding strand, the complement: ARFGEF1 is on the minus strand). VCF-style: chr8-67271833-T-A. GRCh37 (hg19) VCF-style: chr8-68184068-T-A.
Other names: c.1441A>T, p.Ile481Phe (NM_001413184.1, NM_001413185.1, NM_001413186.1 and 7 more transcripts); c.841A>T, p.Ile281Phe (NM_001413188.1, NM_001413193.1, NM_001413197.1); c.16A>T, p.Ile6Phe (NM_001413196.1); short protein forms I281F, I481F, I6F.
Identifiers: ClinVar variation 4279547 (VCV004279547.1).
Genomic context (GRCh38, chr8:67,271,833, plus strand): 5'-AAACCTCTGGAACAGATGAGACTCCATTTTTTGAGAGTGCAACACAAAGATACTGCTTAA[T>A]AGCATTAATAAACATCTCATTTGTCCTGAAAATAGGTCCTGCATTCTGCAGAATGGATAG-3'
Protein context (NP_006412.2, residues 471-491): FRTNEMFINA[Ile481Phe]KQYLCVALSK